The following is an entry in ClinVar:

NM_177438.3(DICER1):c.1492T>A (p.Phe498Ile)

Gene: DICER1 (dicer 1, ribonuclease III; minus strand). Cytogenetic location: 14q32.13.
Variant type: single nucleotide variant.
Coding change: c.1492T>A on transcript NM_177438.3 (MANE Select); coding-DNA position 1492, T replaced by A.
Protein change: p.Phe498Ile; replaces phenylalanine 498 with isoleucine.
Molecular consequence: missense variant. On other transcripts: 5 prime UTR variant (1), non-coding transcript variant (6).
Genome position (GRCh38, 1-based): chr14:95,117,639, A>T on the plus strand (T>A on the coding strand, the complement: DICER1 is on the minus strand). VCF-style: chr14-95117639-A-T. GRCh37 (hg19) VCF-style: chr14-95583976-A-T.
Other names: c.1492T>A, p.Phe498Ile (NM_001195573.1, NM_001271282.3, NM_001291628.2 and 13 more transcripts); c.1210T>A, p.Phe404Ile (NM_001395686.1); c.1087T>A, p.Phe363Ile (NM_001395687.1, NM_001395688.1, NM_001395689.1 and 3 more transcripts); c.925T>A, p.Phe309Ile (NM_001395691.1); c.-77T>A (NM_001395697.1); short protein forms F309I, F404I, F363I, F498I.
Identifiers: ClinVar variation 2000077 (VCV002000077.4), dbSNP rs2543060431, ClinGen allele CA390885438.

ClinVar aggregate classification (germline): Uncertain significance (1 of 4 stars; one submission).

Conditions:
DICER1-related tumor predisposition. Also called: DICER1-related pleuropulmonary blastoma cancer predisposition syndrome; DICER1 syndrome. Identifiers: Orphanet 284343, MedGen C3839822, MONDO:0100216.

Submission:

Labcorp Genetics (formerly Invitae), Labcorp
Classification: Uncertain significance for DICER1-related tumor predisposition. Last evaluated: 2022-05-28. Review status: criteria provided, single submitter. Criteria: Invitae Variant Classification Sherloc (09022015). Collection method: clinical testing. Allele origin: germline.
Comment: Algorithms developed to predict the effect of missense changes on protein structure and function are either unavailable or do not agree on the potential impact of this missense change (SIFT: "Tolerated"; PolyPhen-2: "Probably Damaging"; Align-GVGD: "Class C0"). In summary, the available evidence is currently insufficient to determine the role of this variant in disease. Therefore, it has been classified as a Variant of Uncertain Significance. This sequence change replaces phenylalanine, which is neutral and non-polar, with isoleucine, which is neutral and non-polar, at codon 498 of the DICER1 protein (p.Phe498Ile). This variant is not present in population databases (gnomAD no frequency). This variant has not been reported in the literature in individuals affected with DICER1-related conditions.